The following is an entry in ClinVar:

NM_000257.4(MYH7):c.3831G>T (p.Arg1277=)

Gene: MYH7 (myosin heavy chain 7; minus strand). Cytogenetic location: 14q11.2.
Variant type: single nucleotide variant.
Coding change: c.3831G>T on transcript NM_000257.4 (MANE Select); coding-DNA position 3831, G replaced by T.
Protein change: p.Arg1277=; no amino-acid change (arginine 1277 retained).
Molecular consequence: synonymous variant.
Genome position (GRCh38, 1-based): chr14:23,419,505, C>A on the plus strand (G>T on the coding strand, the complement: MYH7 is on the minus strand). VCF-style: chr14-23419505-C-A. GRCh37 (hg19) VCF-style: chr14-23888714-C-A.
Other names: c.3831G>T, p.Arg1277= (NM_001407004.1).
Identifiers: ClinVar variation 3069747 (VCV003069747.4), dbSNP rs1417625163, ClinGen allele CA485620391.
Genomic context (GRCh38, chr14:23,419,505, plus strand): 5'-CTGTGGTGGGAACCATGGAGCCCCTGCTCTAGGCTCACCATTCTCGGTTTGCAACTTGGC[C>A]CGCTGGCTGGTGAGGTCGTTGACAGAACGCTGGGTCTCCTCCGCCTTGCTCCGGTGCTCA-3'
Protein context (NP_000248.2, residues 1267-1287): QRSVNDLTSQ[Arg1277=]AKLQTENGEL

ClinVar aggregate classification (germline): Likely benign. Review status: criteria provided, multiple submitters, no conflicts (2 of 4 stars). 3 submissions from 3 submitters: Likely benign (3). Last evaluated 2024-04-09.

Conditions:
Cardiovascular phenotype. Identifiers: MedGen CN230736.
Cardiomyopathy (CMYO). Also called: Cardiomyopathies. Identifiers: Orphanet 167848, MedGen C0878544, MONDO:0004994, HP:0001638. Inheritance: Various modes of inheritance.
Hypertrophic cardiomyopathy. Also called: HYPERTROPHIC MYOCARDIOPATHY. Identifiers: Orphanet 217569, MedGen C0007194, MeSH D002312, MONDO:0005045, HP:0001639.

Allele frequency attached by ClinVar (database versions not stated): gnomAD exomes 0.00001.
gnomAD v4.1: 11 of 1,614,092 alleles (0.00068%); highest among the groups gnomAD compares: African/African-American, 0.0013%; no homozygotes.

Submissions (3):

Labcorp Genetics (formerly Invitae), Labcorp
Classification: Likely benign for Hypertrophic cardiomyopathy. Last evaluated: 2024-04-09. Review status: criteria provided, single submitter. Criteria: Invitae Variant Classification Sherloc (09022015). Collection method: clinical testing. Allele origin: germline.

Ambry Genetics
Classification: Likely benign for Cardiovascular phenotype. Last evaluated: 2024-03-07. Review status: criteria provided, single submitter. Criteria: Ambry Variant Classification Scheme 2023. Collection method: clinical testing. Allele origin: germline.

All of Us Research Program, National Institutes of Health
Classification: Likely benign for Cardiomyopathy. Last evaluated: 2023-03-07. Review status: criteria provided, single submitter. Criteria: ACMG Guidelines, 2015. Collection method: clinical testing. Allele origin: germline. Inheritance: Autosomal dominant inheritance. Observed: 1 variant allele, 1 heterozygote.
Comment: This study involves interpretation of variants in research participants for the purpose of population health screening. Participant phenotype was not available at the time of variant classification. Additional details can be found in publication PMID: 35346344, PMCID: PMC8962531